The following is an entry in ClinVar:

ClinVar aggregate classification (germline): Pathogenic (1 of 4 stars; one submission).

Submission:

GeneDx
Classification: Pathogenic. Last evaluated: 2017-01-09. Review status: criteria provided, single submitter. Criteria: GeneDx Variant Classification (06012015). Collection method: clinical testing. Allele origin: germline. Affected: yes.
Comment: The c.3393_3396delAGAC variant in the RAI1 gene has not been reported previously as a pathogenic variant nor as a benign variant, to our knowledge. This variant causes a frameshift starting with codon Aspartic Acid 1132, changes this amino acid to a Histidine residue, and creates a premature Stop codon at position 12 of the new reading frame, denoted p.Asp1132HisfsX12. This variant is predicted to cause loss of normal protein function either through protein truncation or nonsense-mediated mRNA decay. The c.3393_3396delAGAC variant was not observed in approximately 6500 individuals of European and African American ancestry in the NHLBI Exome Sequencing Project, indicating it is not a common benign variant in these populations. We interpret c.3393_3396delAGAC as a pathogenic variant.

NM_030665.4(RAI1):c.3393_3396del (p.Asp1132fs)

Gene: RAI1 (retinoic acid induced 1; plus strand). Cytogenetic location: 17p11.2.
Variant type: Microsatellite.
Coding change: c.3393_3396del on transcript NM_030665.4 (MANE Select); coding-DNA positions 3393 to 3396, 4 bases deleted (AGAC; older notation c.3393_3396delAGAC).
Protein change: p.Asp1132fs; shifts the reading frame from aspartic acid 1132.
Molecular consequence: frameshift variant.
Genome position (GRCh38, 1-based): chr17:17,796,341-17,796,344, AGAC deleted; deleting any 4 consecutive bases within chr17:17,796,337-17,796,344 gives the same sequence; the c. name uses the placement nearest the transcript's 3' end. VCF-style (leftmost placement, unchanged base first): chr17-17796336-GAGAC-G. GRCh37 (hg19) VCF-style: chr17-17699650-GAGAC-G.
Other names: short protein forms D1132fs.
Identifiers: ClinVar variation 423003 (VCV000423003.2), dbSNP rs1064796156, ClinGen allele CA16620343.
Genomic context (GRCh38, chr17:17,796,336, plus strand): 5'-AGCAACCCGGCCGCCCTGCCTGTGGCCTCCGACAGCAGCCCGATGGGCTCCAAGACCAAG[GAGAC>G]AGACTCACCCAGCACGCCTGGCAAGGACCAGCGCTCCATGATCCTTCGGTCACGCACCAA-3'